The following is an entry in ClinVar:

NM_139215.3(TAF15):c.223C>G (p.Gln75Glu)

Gene: TAF15 (TATA-box binding protein associated factor 15; plus strand). Cytogenetic location: 17q12.
Variant type: single nucleotide variant.
Coding change: c.223C>G on transcript NM_139215.3 (MANE Select); coding-DNA position 223, C replaced by G.
Protein change: p.Gln75Glu; replaces glutamine 75 with glutamic acid.
Molecular consequence: missense variant.
Genome position (GRCh38, 1-based): chr17:35,820,370, C>G. VCF-style: chr17-35820370-C-G. GRCh37 (hg19) VCF-style: chr17-34147374-C-G.
Other names: c.214C>G, p.Gln72Glu (NM_003487.4); short protein forms Q72E, Q75E.
Identifiers: ClinVar variation 1311632 (VCV001311632.2), dbSNP rs2087244627, ClinGen allele CA399215010.

ClinVar aggregate classification (germline): Uncertain significance (1 of 4 stars; one submission).

Allele frequency attached by ClinVar (database versions not stated): gnomAD exomes below 0.00001; TOPMed below 0.00001.
gnomAD v4.1: 6 of 1,613,934 alleles (0.00037%); highest among the groups gnomAD compares: African/African-American, 0.004%; no homozygotes.

Submission:

GeneDx
Classification: Uncertain significance. Last evaluated: 2020-01-02. Review status: criteria provided, single submitter. Criteria: GeneDx Variant Classification Process June 2021. Collection method: clinical testing. Allele origin: germline. Affected: yes.
Comment: Not observed in large population cohorts (Lek et al., 2016); In silico analysis, which includes protein predictors and evolutionary conservation, supports that this variant does not alter protein structure/function; Has not been previously published as pathogenic or benign to our knowledge